The following is an entry in ClinVar:

NM_004260.4(RECQL4):c.784C>T (p.Arg262Trp)

Gene: RECQL4 (RecQ like helicase 4; minus strand). Cytogenetic location: 8q24.3.
Variant type: single nucleotide variant.
Coding change: c.784C>T on transcript NM_004260.4 (MANE Select); coding-DNA position 784, C replaced by T.
Protein change: p.Arg262Trp; replaces arginine 262 with tryptophan.
Molecular consequence: missense variant.
Genome position (GRCh38, 1-based): chr8:144,516,335, G>A on the plus strand (C>T on the coding strand, the complement: RECQL4 is on the minus strand). VCF-style: chr8-144516335-G-A. GRCh37 (hg19) VCF-style: chr8-145741719-G-A.
Other names: short protein forms R262W.
Identifiers: ClinVar variation 645933 (VCV000645933.8), dbSNP rs781314533, ClinGen allele CA4949179.

ClinVar aggregate classification (germline): Uncertain significance. Review status: criteria provided, multiple submitters, no conflicts (2 of 4 stars). 2 submissions from 2 submitters: Uncertain significance (2). Last evaluated 2025-01-08.

Conditions:
Baller-Gerold syndrome (BGS). Also called: CRANIOSYNOSTOSIS WITH RADIAL DEFECTS. Identifiers: Orphanet 1225, MedGen C0265308, MONDO:0009039, OMIM 218600.
Inborn genetic diseases. Identifiers: MedGen C0950123, MeSH D030342.

Allele frequency attached by ClinVar (database versions not stated): ExAC 0.00001; gnomAD exomes 0.00002; TOPMed 0.00002; gnomAD 0.00003 and 0.00004.

Submissions (2):

Ambry Genetics
Classification: Uncertain significance for Inborn genetic diseases. Last evaluated: 2025-01-08. Review status: criteria provided, single submitter. Criteria: Ambry Variant Classification Scheme 2023. Collection method: clinical testing. Allele origin: germline.
Comment: The p.R262W variant (also known as c.784C>T), located in coding exon 5 of the RECQL4 gene, results from a C to T substitution at nucleotide position 784. The arginine at codon 262 is replaced by tryptophan, an amino acid with dissimilar properties. This amino acid position is conserved. In addition, this alteration is predicted to be tolerated by in silico analysis. Based on the available evidence, the clinical significance of this variant remains unclear.

Labcorp Genetics (formerly Invitae), Labcorp
Classification: Uncertain significance for Baller-Gerold syndrome. Last evaluated: 2024-06-10. Review status: criteria provided, single submitter. Criteria: Invitae Variant Classification Sherloc (09022015). Collection method: clinical testing. Allele origin: germline.
Comment: This sequence change replaces arginine, which is basic and polar, with tryptophan, which is neutral and slightly polar, at codon 262 of the RECQL4 protein (p.Arg262Trp). The frequency data for this variant in the population databases is considered unreliable, as metrics indicate poor data quality at this position in the gnomAD database. This variant has not been reported in the literature in individuals affected with RECQL4-related conditions. ClinVar contains an entry for this variant (Variation ID: 645933). Advanced modeling of protein sequence and biophysical properties (such as structural, functional, and spatial information, amino acid conservation, physicochemical variation, residue mobility, and thermodynamic stability) performed at Invitae indicates that this missense variant is not expected to disrupt RECQL4 protein function with a negative predictive value of 80%. In summary, the available evidence is currently insufficient to determine the role of this variant in disease. Therefore, it has been classified as a Variant of Uncertain Significance.